The following is an entry in ClinVar:

NM_001256071.3(RNF213):c.9852G>A (p.Ser3284=)

Gene: RNF213 (ring finger protein 213; plus strand). Cytogenetic location: 17q25.3.
Variant type: single nucleotide variant.
Coding change: c.9852G>A on transcript NM_001256071.3 (MANE Select); coding-DNA position 9852, G replaced by A.
Protein change: p.Ser3284=; no amino-acid change (serine 3284 retained).
Molecular consequence: synonymous variant.
Genome position (GRCh38, 1-based): chr17:80,348,187, G>A. VCF-style: chr17-80348187-G-A. GRCh37 (hg19) VCF-style: chr17-78321987-G-A.
Other names: p.Ser3284=.
Identifiers: ClinVar variation 789232 (VCV000789232.34), dbSNP rs111406243, ClinGen allele CA8821217.

ClinVar aggregate classification (germline): Benign/Likely benign. Review status: criteria provided, multiple submitters, no conflicts (2 of 4 stars). 5 submissions from 5 submitters: Benign (2); Likely benign (3). Last evaluated 2026-01-01.

Allele frequency attached by ClinVar (database versions not stated): 1000 Genomes Project 30x 0.00062; 1000 Genomes Project 0.00080; ExAC 0.00185; gnomAD exomes 0.00187; TOPMed 0.00221; gnomAD 0.00224 and 0.00232.

Submissions (5):

CeGaT Center for Human Genetics Tuebingen
Classification: Likely benign. Last evaluated: 2026-01-01. Review status: criteria provided, single submitter. Criteria: CeGaT Center For Human Genetics Tuebingen Variant Classification Criteria Version 2. Collection method: clinical testing. Allele origin: germline. Affected: yes. Observed: 7 variant alleles.
Comment: RNF213: BP4, BP7, BS2

Labcorp Genetics (formerly Invitae), Labcorp
Classification: Benign. Last evaluated: 2025-12-19. Review status: criteria provided, single submitter. Criteria: Invitae Variant Classification Sherloc (09022015). Collection method: clinical testing. Allele origin: germline.

Mayo Clinic Laboratories, Mayo Clinic
Classification: Likely benign. Last evaluated: 2025-10-23. Review status: criteria provided, single submitter. Criteria: ACMG Guidelines, 2015. Collection method: clinical testing. Allele origin: germline. Observed: 1 variant allele.
Comment: BS1, BP4, BP7

Blueprint Genetics
Classification: Likely benign. Last evaluated: 2024-11-19. Review status: criteria provided, single submitter. Criteria: ACMG Guidelines, 2015. Collection method: clinical testing. Allele origin: germline.

Breakthrough Genomics
Classification: Benign. Review status: criteria provided, single submitter. Criteria: ACMG Guidelines, 2015. Collection method: not provided. Allele origin: germline. Inheritance: Autosomal dominant inheritance. Affected: yes.